The following is an entry in ClinVar:

NM_002457.5(MUC2):c.12054T>C (p.Thr4018=)

Gene: MUC2 (mucin 2, oligomeric mucus/gel-forming; plus strand). Cytogenetic location: 11p15.5.
Variant type: single nucleotide variant.
Coding change: c.12054T>C on transcript NM_002457.5 (MANE Select); coding-DNA position 12054, T replaced by C.
Protein change: p.Thr4018=; no amino-acid change (threonine 4018 retained).
Molecular consequence: synonymous variant.
Genome position (GRCh38, 1-based): chr11:1,099,388, T>C. VCF-style: chr11-1099388-T-C. GRCh37 (hg19) VCF-style: chr11-1093296-T-C.
Identifiers: ClinVar variation 2641139 (VCV002641139.24), dbSNP rs56068864, ClinGen allele CA5800042.

ClinVar aggregate classification (germline): Likely benign (1 of 4 stars; one submission).

Allele frequency attached by ClinVar (database versions not stated): gnomAD 0.00075; gnomAD exomes 0.00117.

Submission:

CeGaT Center for Human Genetics Tuebingen
Classification: Likely benign. Last evaluated: 2023-08-01. Review status: criteria provided, single submitter. Criteria: CeGaT Center For Human Genetics Tuebingen Variant Classification Criteria Version 2. Collection method: clinical testing. Allele origin: germline. Affected: yes. Observed: 1 variant allele.
Comment: MUC2: BP4, BP7